The following is an entry in ClinVar:

NM_006269.2(RP1):c.4587_4590del (p.Ser1529fs)

Gene: RP1 (RP1 axonemal microtubule associated; plus strand). Cytogenetic location: 8q12.1.
Variant type: Deletion.
Coding change: c.4587_4590del on transcript NM_006269.2 (MANE Select); coding-DNA positions 4587 to 4590, 4 bases deleted (TAAG; older notation c.4587_4590delTAAG).
Protein change: p.Ser1529fs; shifts the reading frame from serine 1529.
Molecular consequence: frameshift variant. On other transcripts: intron variant (1).
Genome position (GRCh38, 1-based): chr8:54,628,469-54,628,472, TAAG deleted; deleting any 4 consecutive bases within chr8:54,628,467-54,628,472 gives the same sequence; the c. name uses the placement nearest the transcript's 3' end. VCF-style (leftmost placement, unchanged base first): chr8-54628466-CAGTA-C. GRCh37 (hg19) VCF-style: chr8-55541026-CAGTA-C.
Other names: c.787+6181_787+6184del (NM_001375654.1); short protein forms S1529fs.
Identifiers: ClinVar variation 1410895 (VCV001410895.39), dbSNP rs766674210, ClinGen allele CA4751908.

ClinVar aggregate classification (germline): Pathogenic. Review status: criteria provided, multiple submitters, no conflicts (2 of 4 stars). 3 submissions from 3 submitters: Pathogenic (3). Last evaluated 2022-03-09.

Conditions:
RP1-related disorder. Also called: RP1-related condition.

Submissions (3):

Labcorp Genetics (formerly Invitae), Labcorp
Classification: Pathogenic. Last evaluated: 2022-03-09. Review status: criteria provided, single submitter. Criteria: Invitae Variant Classification Sherloc (09022015). Collection method: clinical testing. Allele origin: germline.
Comment: For these reasons, this variant has been classified as Pathogenic. This variant disrupts the C-terminus of the RP1 protein. Many variants that disrupt this region have been reported in individuals with either autosomal dominant or autosomal recessive retinitis pigmentosa (PMID: 11527933, 19933189, 29425069, 30027431). Therefore, variants that disrupt this region are expected to be disease-causing. This premature translational stop signal has been observed in individual(s) with autosomal recessive rod-cone dystrophy (PMID: 25692139). This variant is present in population databases (rs766674210, gnomAD 0.002%). This sequence change creates a premature translational stop signal (p.Ser1529Argfs*9) in the RP1 gene. While this is not anticipated to result in nonsense mediated decay, it is expected to disrupt the last 628 amino acid(s) of the RP1 protein.

CeGaT Center for Human Genetics Tuebingen
Classification: Pathogenic. Last evaluated: 2022-01-01. Review status: criteria provided, single submitter. Criteria: CeGaT Center For Human Genetics Tuebingen Variant Classification Criteria Version 2. Collection method: clinical testing. Allele origin: germline. Affected: yes. Observed: 1 variant allele.

Blueprint Genetics
Classification: Pathogenic for RP1-related disorders. Last evaluated: 2021-11-26. Review status: criteria provided, single submitter. Criteria: ACMG Guidelines, 2015. Collection method: clinical testing. Allele origin: germline. Affected: yes. Observed: 3 variant alleles.

Literature cited by the submitters: PubMed 11527933 (cited by Labcorp Genetics (formerly Invitae), Labcorp); PubMed 19933189 (cited by Labcorp Genetics (formerly Invitae), Labcorp); PubMed 29425069 (cited by Labcorp Genetics (formerly Invitae), Labcorp); PubMed 30027431 (cited by Labcorp Genetics (formerly Invitae), Labcorp); PubMed 25692139 (cited by Labcorp Genetics (formerly Invitae), Labcorp).